The following is an entry in ClinVar:

ClinVar aggregate classification (germline): Uncertain significance. Review status: criteria provided, multiple submitters, no conflicts (2 of 4 stars). 2 submissions from 2 submitters: Uncertain significance (2). Last evaluated 2025-10-08.

Conditions:
ACTA1-related disorder. Also called: ACTA1-related condition.

Submissions (2):

3billion
Classification: Uncertain significance for ACTA1-related disorder. Last evaluated: 2025-10-08. Review status: criteria provided, single submitter. Criteria: ACMG Guidelines, 2015. Collection method: clinical testing. Allele origin: germline. Affected: yes.
Comment: The variant is not observed in the gnomAD v4.1.0 dataset. Predicted Consequence/Location: Missense variant. Missense changes are a common disease-causing mechanism. In silico tool predictions suggest damaging effect of the variant on gene or gene product [3Cnet: 1.00 (> 0.75, sensitivity 0.96 and precision 0.92)]. Therefore, this variant is classified as VUS according to the recommendation of ACMG/AMP guideline.

Blueprint Genetics
Classification: Uncertain significance. Last evaluated: 2024-03-09. Review status: criteria provided, single submitter. Criteria: ACMG Guidelines, 2015. Collection method: clinical testing. Allele origin: germline.

NM_001100.4(ACTA1):c.565G>A (p.Asp189Asn)

Gene: ACTA1 (actin alpha 1, skeletal muscle; minus strand). Cytogenetic location: 1q42.13.
Variant type: single nucleotide variant.
Coding change: c.565G>A on transcript NM_001100.4 (MANE Select); coding-DNA position 565, G replaced by A.
Protein change: p.Asp189Asn; replaces aspartic acid 189 with asparagine.
Molecular consequence: missense variant.
Genome position (GRCh38, 1-based): chr1:229,432,321, C>T on the plus strand (G>A on the coding strand, the complement: ACTA1 is on the minus strand). VCF-style: chr1-229432321-C-T. GRCh37 (hg19) VCF-style: chr1-229568068-C-T.
Other names: short protein forms D189N.
Identifiers: ClinVar variation 4854931 (VCV004854931.2).
Genomic context (GRCh38, chr1:229,432,321, plus strand): 5'-GCCGCGCACCTGTGGTCACGAAGGAGTAGCCACGCTCAGTGAGGATCTTCATCAGGTAGT[C>T]GGTGAGATCGCGGCCCGCCAGGTCCAGGCGCATGATGGCGTGCGGCAGCGCGTAGCCCTC-3'
Protein context (NP_001091.1, residues 179-199): RLDLAGRDLT[Asp189Asn]YLMKILTERG